The following is an entry in ClinVar:

NM_173598.6(KSR2):c.575G>T (p.Arg192Leu)

Gene: KSR2 (kinase suppressor of ras 2; minus strand). Cytogenetic location: 12q24.23.
Variant type: single nucleotide variant.
Coding change: c.575G>T on transcript NM_173598.6 (MANE Select); coding-DNA position 575, G replaced by T.
Protein change: p.Arg192Leu; replaces arginine 192 with leucine.
Molecular consequence: missense variant.
Genome position (GRCh38, 1-based): chr12:117,761,422, C>A on the plus strand (G>T on the coding strand, the complement: KSR2 is on the minus strand). VCF-style: chr12-117761422-C-A. GRCh37 (hg19) VCF-style: chr12-118199227-C-A.
Other names: short protein forms R192L.
Identifiers: ClinVar variation 2635064 (VCV002635064.2), dbSNP rs766252967, ClinGen allele CA386939436.

ClinVar aggregate classification (germline): Uncertain significance (1 of 4 stars; one submission).

Conditions:
KSR2-related disorder. Also called: KSR2-related condition.

gnomAD v4.1: 5 of 1,611,654 alleles (0.00031%); highest among the groups gnomAD compares: Non-Finnish European, 0.00042%; no homozygotes.

Submission:

PreventionGenetics, part of Exact Sciences
Classification: Uncertain significance for KSR2-related condition. Last evaluated: 2024-11-26. Review status: criteria provided, single submitter. Criteria: ACMG Guidelines, 2015. Collection method: clinical testing. Allele origin: germline.
Comment: The KSR2 c.488G>T variant is predicted to result in the amino acid substitution p.Arg163Leu. To our knowledge, this variant has not been reported in the literature. This variant is reported in 0.0018% of alleles in individuals of European (Non-Finnish) descent in gnomAD. At this time, the clinical significance of this variant is uncertain due to the absence of conclusive functional and genetic evidence.